The following is an entry in ClinVar:

ClinVar aggregate classification (germline): Conflicting classifications of pathogenicity. Review status: criteria provided, conflicting classifications (1 of 4 stars). 2 submissions from 2 submitters: Uncertain significance (1); Likely benign (1). Last evaluated 2025-11-18.

Conditions:
Hereditary cancer-predisposing syndrome. Also called: Neoplastic Syndromes, Hereditary; Hereditary Cancer Syndrome; Hereditary neoplastic syndrome; Tumor predisposition. Identifiers: Orphanet 140162, MedGen C0027672, MeSH D009386, MONDO:0015356.
Hereditary breast ovarian cancer syndrome. Also called: Hereditary breast and ovarian cancer syndrome (HBOC); Hereditary breast and ovarian cancer syndrome; Breast and ovarian cancer; Hereditary breast and/or ovarian cancer syndrome; Hereditary breast and ovarian cancer; BRCA1- and BRCA2-Associated Hereditary Breast and Ovarian Cancer. Identifiers: Orphanet 145, MedGen C0677776, MeSH D061325, MONDO:0003582. Disease mechanism: loss of function.

Allele frequency attached by ClinVar (database versions not stated): TOPMed below 0.00001.

Submissions (2):

Ambry Genetics
Classification: Likely benign for Hereditary cancer-predisposing syndrome. Last evaluated: 2025-11-18. Review status: criteria provided, single submitter. Criteria: Ambry Variant Classification Scheme 2023. Collection method: clinical testing. Allele origin: germline.

Labcorp Genetics (formerly Invitae), Labcorp
Classification: Uncertain significance for Hereditary breast ovarian cancer syndrome. Last evaluated: 2023-07-04. Review status: criteria provided, single submitter. Criteria: Invitae Variant Classification Sherloc (09022015). Collection method: clinical testing. Allele origin: germline.
Comment: In summary, the available evidence is currently insufficient to determine the role of this variant in disease. Therefore, it has been classified as a Variant of Uncertain Significance. Advanced modeling of protein sequence and biophysical properties (such as structural, functional, and spatial information, amino acid conservation, physicochemical variation, residue mobility, and thermodynamic stability) performed at Invitae indicates that this missense variant is not expected to disrupt BRCA2 protein function. ClinVar contains an entry for this variant (Variation ID: 462218). This variant has not been reported in the literature in individuals affected with BRCA2-related conditions. This variant is not present in population databases (gnomAD no frequency). This sequence change replaces alanine, which is neutral and non-polar, with valine, which is neutral and non-polar, at codon 3372 of the BRCA2 protein (p.Ala3372Val).

NM_000059.4(BRCA2):c.10115C>T (p.Ala3372Val)

Gene: BRCA2 (BRCA2 DNA repair associated; plus strand). Cytogenetic location: 13q13.1.
Variant type: single nucleotide variant.
Coding change: c.10115C>T on transcript NM_000059.4 (MANE Select); coding-DNA position 10115, C replaced by T.
Protein change: p.Ala3372Val; replaces alanine 3372 with valine.
Molecular consequence: missense variant.
Genome position (GRCh38, 1-based): chr13:32,398,628, C>T. VCF-style: chr13-32398628-C-T. GRCh37 (hg19) VCF-style: chr13-32972765-C-T.
Other names: short protein forms A3372V.
Identifiers: ClinVar variation 462218 (VCV000462218.10), dbSNP rs748237097, ClinGen allele CA387768049.